The following is an entry in ClinVar:

ClinVar aggregate classification (germline): Uncertain significance (1 of 4 stars; one submission).

Submission:

Labcorp Genetics (formerly Invitae), Labcorp
Classification: Uncertain significance. Last evaluated: 2022-06-23. Review status: criteria provided, single submitter. Criteria: Invitae Variant Classification Sherloc (09022015). Collection method: clinical testing. Allele origin: germline.
Comment: This variant is not present in population databases (gnomAD no frequency). This sequence change replaces lysine, which is basic and polar, with arginine, which is basic and polar, at codon 874 of the TRPC6 protein (p.Lys874Arg). In summary, the available evidence is currently insufficient to determine the role of this variant in disease. Therefore, it has been classified as a Variant of Uncertain Significance. Algorithms developed to predict the effect of missense changes on protein structure and function output the following: SIFT: "Tolerated"; PolyPhen-2: "Benign"; Align-GVGD: "Class C0". The arginine amino acid residue is found in multiple mammalian species, which suggests that this missense change does not adversely affect protein function. This variant has not been reported in the literature in individuals affected with TRPC6-related conditions.

NM_004621.6(TRPC6):c.2621A>G (p.Lys874Arg)

Gene: TRPC6 (transient receptor potential cation channel subfamily C member 6; minus strand). Cytogenetic location: 11q22.1.
Variant type: single nucleotide variant.
Coding change: c.2621A>G on transcript NM_004621.6 (MANE Select); coding-DNA position 2621, A replaced by G.
Protein change: p.Lys874Arg; replaces lysine 874 with arginine.
Molecular consequence: missense variant.
Genome position (GRCh38, 1-based): chr11:101,453,673, T>C on the plus strand (A>G on the coding strand, the complement: TRPC6 is on the minus strand). VCF-style: chr11-101453673-T-C. GRCh37 (hg19) VCF-style: chr11-101324404-T-C.
Other names: short protein forms K874R.
Identifiers: ClinVar variation 1976845 (VCV001976845.5), dbSNP rs1232547987, ClinGen allele CA382487159.